The following is an entry in ClinVar:

NM_003119.4(SPG7):c.2182C>G (p.Leu728Val)

Gene: SPG7 (SPG7 matrix AAA peptidase subunit, paraplegin; plus strand). Cytogenetic location: 16q24.3.
Variant type: single nucleotide variant.
Coding change: c.2182C>G on transcript NM_003119.4 (MANE Select); coding-DNA position 2182, C replaced by G.
Protein change: p.Leu728Val; replaces leucine 728 with valine.
Molecular consequence: missense variant.
Genome position (GRCh38, 1-based): chr16:89,556,887, C>G. VCF-style: chr16-89556887-C-G. GRCh37 (hg19) VCF-style: chr16-89623295-C-G.
Other names: c.2390C>G, p.Ala797Gly (NM_001363850.1); short protein forms L728V, A797G.
Identifiers: ClinVar variation 432557 (VCV000432557.5), dbSNP rs1433673841, ClinGen allele CA397417388.

ClinVar aggregate classification (germline): Uncertain significance. Review status: criteria provided, multiple submitters, no conflicts (2 of 4 stars). 2 submissions from 2 submitters: Uncertain significance (2). Last evaluated 2023-11-09.

Conditions:
Hereditary spastic paraplegia 7 (SPG7). Also called: Spastic paraplegia 7; Hereditary spastic paraplegia Paraplegin type; SPG7-related neurologic disorder; Autosomal recessive spastic paraplegia type 7; SPASTIC PARAPLEGIA 7, AUTOSOMAL RECESSIVE, WITH OR WITHOUT CEREBELLAR ATAXIA. Identifiers: Orphanet 99013, MedGen C1846564, MONDO:0011803, OMIM 607259.

Allele frequency attached by ClinVar (database versions not stated): TOPMed below 0.00001; gnomAD 0.00001.
gnomAD v4.1: 23 of 1,612,680 alleles (0.0014%); highest among the groups gnomAD compares: Non-Finnish European, 0.0019%; no homozygotes.

Submissions (2):

Labcorp Genetics (formerly Invitae), Labcorp
Classification: Uncertain significance for Hereditary spastic paraplegia 7. Last evaluated: 2023-11-09. Review status: criteria provided, single submitter. Criteria: Invitae Variant Classification Sherloc (09022015). Collection method: clinical testing. Allele origin: germline.
Comment: This sequence change replaces leucine, which is neutral and non-polar, with valine, which is neutral and non-polar, at codon 728 of the SPG7 protein (p.Leu728Val). This variant is not present in population databases (gnomAD no frequency). This variant has not been reported in the literature in individuals affected with SPG7-related conditions. ClinVar contains an entry for this variant (Variation ID: 432557). An algorithm developed to predict the effect of missense changes on protein structure and function (PolyPhen-2) suggests that this variant is likely to be disruptive. In summary, the available evidence is currently insufficient to determine the role of this variant in disease. Therefore, it has been classified as a Variant of Uncertain Significance.

GeneDx
Classification: Uncertain significance. Last evaluated: 2017-06-08. Review status: criteria provided, single submitter. Criteria: GeneDx Variant Classification (06012015). Collection method: clinical testing. Allele origin: germline. Affected: yes.
Comment: A variant of uncertain significance has been identified in the SPG7 gene. The L728V variant has not been published as a pathogenic variant, nor has it been reported as a benign variant to our knowledge. The L728V variant is not observed in large population cohorts (Lek et al., 2016; 1000 Genomes Consortium et al., 2015; Exome Variant Server). This substitution occurs at a position that is conserved across species. However, the L728V variant is a conservative amino acid substitution, which is not likely to impact secondary protein structure as these residues share similar properties. In silico analysis is inconsistent in its predictions as to whether or not the variant is damaging to the protein structure/function. Therefore, based on the currently available information, it is unclear whether this variant is a pathogenic variant or a rare benign variant.